The following is an entry in ClinVar:

ClinVar aggregate classification (germline): Pathogenic (1 of 4 stars; one submission).

Conditions:
Alagille syndrome due to a JAG1 point mutation. Also called: HEPATIC DUCTULAR HYPOPLASIA, SYNDROMATIC; Alagille Syndrome 1; JAG1-Related Alagille Syndrome. Identifiers: Orphanet 261619, Orphanet 52, MedGen C1956125, MONDO:0016862, OMIM 118450.

Submission:

Labcorp Genetics (formerly Invitae), Labcorp
Classification: Pathogenic for Alagille syndrome due to a JAG1 point mutation. Last evaluated: 2019-08-25. Review status: criteria provided, single submitter. Criteria: Invitae Variant Classification Sherloc (09022015). Collection method: clinical testing. Allele origin: germline.
Comment: For these reasons, this variant has been classified as Pathogenic. Loss-of-function variants in JAG1 are known to be pathogenic (PMID: 11180599). A different variant (c.2990C>A) giving rise to the same protein effect observed here (p.Ser997*) has been observed in an individual with Allagile syndrome (PMID: 26076142) This variant is not present in population databases (ExAC no frequency). This sequence change creates a premature translational stop signal (p.Ser997*) in the JAG1 gene. It is expected to result in an absent or disrupted protein product.

Literature cited by the submitters: PubMed 11180599; PubMed 26076142.

NM_000214.3(JAG1):c.2990C>G (p.Ser997Ter)

Gene: JAG1 (jagged canonical Notch ligand 1; minus strand). Cytogenetic location: 20p12.2.
Variant type: single nucleotide variant.
Coding change: c.2990C>G on transcript NM_000214.3 (MANE Select); coding-DNA position 2990, C replaced by G.
Protein change: p.Ser997Ter; replaces serine 997 with a stop codon.
Molecular consequence: nonsense.
Genome position (GRCh38, 1-based): chr20:10,641,171, G>C on the plus strand (C>G on the coding strand, the complement: JAG1 is on the minus strand). VCF-style: chr20-10641171-G-C. GRCh37 (hg19) VCF-style: chr20-10621819-G-C.
Other names: short protein forms S997*.
Identifiers: ClinVar variation 957186 (VCV000957186.9), dbSNP rs2067268487, ClinGen allele CA408244506.